The following is an entry in ClinVar:

ClinVar aggregate classification (germline): Uncertain significance (1 of 4 stars; one submission).

Submission:

Labcorp Genetics (formerly Invitae), Labcorp
Classification: Uncertain significance. Last evaluated: 2023-06-30. Review status: criteria provided, single submitter. Criteria: Invitae Variant Classification Sherloc (09022015). Collection method: clinical testing. Allele origin: germline.
Comment: In summary, the available evidence is currently insufficient to determine the role of this variant in disease. Therefore, it has been classified as a Variant of Uncertain Significance. Experimental studies and prediction algorithms are not available or were not evaluated, and the functional significance of this variant is currently unknown. This variant has not been reported in the literature in individuals affected with SMARCA2-related conditions. This variant is a gross deletion of the genomic region encompassing exon(s) 30-34 of the SMARCA2 gene, which includes the termination codon. This deletion extends beyond the assayed region for this gene and therefore may encompass additional genes. While this deletion is not anticipated to lead to nonsense mediated decay, it is expected to alter mRNA translation or result in a truncated protein product.

NC_000009.11:g.(?_2181551)_(2192739_?)del

Gene: SMARCA2 (SWI/SNF related BAF chromatin remodeling complex subunit ATPase 2; plus strand). Cytogenetic location: 9p24.3.
Variant type: Deletion.
Identifiers: ClinVar variation 2424621 (VCV002424621.4).